The following is an entry in ClinVar:

NM_000552.5(VWF):c.2956C>T (p.Gln986Ter)

Gene: VWF (von Willebrand factor; minus strand). Cytogenetic location: 12p13.31.
Variant type: single nucleotide variant.
Coding change: c.2956C>T on transcript NM_000552.5 (MANE Select); coding-DNA position 2956, C replaced by T.
Protein change: p.Gln986Ter; replaces glutamine 986 with a stop codon.
Molecular consequence: nonsense.
Genome position (GRCh38, 1-based): chr12:6,029,353, G>A on the plus strand (C>T on the coding strand, the complement: VWF is on the minus strand). VCF-style: chr12-6029353-G-A. GRCh37 (hg19) VCF-style: chr12-6138519-G-A.
Other names: short protein forms Q986*.
Identifiers: ClinVar variation 4994496 (VCV004994496.1).

ClinVar aggregate classification (germline): Likely pathogenic (1 of 4 stars; one submission).

Conditions:
VWF-related disorder. Also called: VWF-related disorders; VWF-related condition.

Submission:

PreventionGenetics, part of Exact Sciences
Classification: Likely pathogenic for VWF-related condition. Last evaluated: 2026-03-22. Review status: criteria provided, single submitter. Criteria: ACMG Guidelines, 2015. Collection method: clinical testing. Allele origin: germline.
Comment: The VWF c.2956C>T variant is predicted to result in premature protein termination (p.Gln986*). To our knowledge, this variant has not been reported in the literature or in a large population database (gnomAD), indicating this variant is rare. Nonsense variants in VWF are expected to be pathogenic. This variant is interpreted as likely pathogenic.